The following is an entry in ClinVar:

ClinVar aggregate classification (germline): Uncertain significance (1 of 4 stars; one submission).

Conditions:
Hereditary cancer-predisposing syndrome. Also called: Hereditary Cancer Syndrome; Neoplastic Syndromes, Hereditary; Tumor predisposition; Hereditary neoplastic syndrome. Identifiers: Orphanet 140162, MedGen C0027672, MeSH D009386, MONDO:0015356.

Submission:

Ambry Genetics
Classification: Uncertain significance for Hereditary cancer-predisposing syndrome. Last evaluated: 2026-07-15. Review status: criteria provided, single submitter. Criteria: Ambry Variant Classification Scheme 2023. Collection method: clinical testing. Allele origin: germline.
Comment: The p.N152K variant (also known as c.456C>A), located in coding exon 4 of the EGFR gene, results from a C to A substitution at nucleotide position 456. The asparagine at codon 152 is replaced by lysine, an amino acid with similar properties. This amino acid position is well conserved in available vertebrate species. In addition, this alteration is predicted to be tolerated by in silico analysis. Based on the available evidence, the clinical significance of this variant remains unclear.

NM_005228.5(EGFR):c.456C>A (p.Asn152Lys)

Gene: EGFR (epidermal growth factor receptor; plus strand). Cytogenetic location: 7p11.2.
Variant type: single nucleotide variant.
Coding change: c.456C>A on transcript NM_005228.5 (MANE Select); coding-DNA position 456, C replaced by A.
Protein change: p.Asn152Lys; replaces asparagine 152 with lysine.
Molecular consequence: missense variant. On other transcripts: intron variant (3).
Genome position (GRCh38, 1-based): chr7:55,146,637, C>A. VCF-style: chr7-55146637-C-A. GRCh37 (hg19) VCF-style: chr7-55214330-C-A.
Other names: c.456C>A, p.Asn152Lys (NM_001346898.2, NM_201282.2, NM_201283.2 and 1 more transcripts); c.297C>A, p.Asn99Lys (NM_001346900.2); c.424+3149C>A (NM_001346899.2, NM_001346897.2); c.89-9193C>A (NM_001346941.2); short protein forms N99K, N152K.
Identifiers: ClinVar variation 5035793 (VCV005035793.1).